The following is an entry in ClinVar:

ClinVar aggregate classification (germline): Pathogenic/Likely pathogenic. Review status: criteria provided, multiple submitters, no conflicts (2 of 4 stars). 15 submissions from 15 submitters: Pathogenic (11); Likely pathogenic (2). 2 of the submissions do not count toward it. Last evaluated 2026-01-09.

Conditions:
CBS-related disorder. Also called: CBS-related condition.
Homocystinuria. Identifiers: MedGen C0019880, MONDO:0004737, HP:0002156.
Classic homocystinuria. Also called: HOMOCYSTINURIA WITH OR WITHOUT RESPONSE TO PYRIDOXINE; Homocystinuria due to Cystathionine Beta-Synthase Deficiency; Homocystinuria due to CBS deficiency; Cystathionine beta-synthase deficiency; CBS deficiency. Identifiers: Orphanet 394, MedGen C0751202, MONDO:0009352, OMIM 236200.
Homocystinuria, pyridoxine-responsive. Identifiers: MedGen C3502110.
HYPERHOMOCYSTEINEMIA, THROMBOTIC, CBS-RELATED. Identifiers: MedGen C3150344, OMIM 236200.

Allele frequency attached by ClinVar (database versions not stated): gnomAD exomes 0.00001; gnomAD 0.00002.

Submissions 1 to 7 of 15:

Labcorp Genetics (formerly Invitae), Labcorp
Classification: Pathogenic for HYPERHOMOCYSTEINEMIA, THROMBOTIC, CBS-RELATED. Last evaluated: 2026-01-09. Review status: criteria provided, single submitter. Criteria: Invitae Variant Classification Sherloc (09022015). Collection method: clinical testing. Allele origin: germline.
Comment: This sequence change replaces glutamic acid, which is acidic and polar, with lysine, which is basic and polar, at codon 144 of the CBS protein (p.Glu144Lys). This variant is present in population databases (rs121964966, gnomAD 0.01%). This missense change has been observed in individual(s) with homocystinuria (PMID: 7611293, 10215408, 12124992, 33057012). In at least one individual the data is consistent with being in trans (on the opposite chromosome) from a pathogenic variant. ClinVar contains an entry for this variant (Variation ID: 122). Invitae Evidence Modeling of protein sequence and biophysical properties (such as structural, functional, and spatial information, amino acid conservation, physicochemical variation, residue mobility, and thermodynamic stability) indicates that this missense variant is expected to disrupt CBS protein function with a positive predictive value of 95%. Experimental studies are conflicting or provide insufficient evidence to determine the effect of this variant on CBS function (PMID: 20506325, 22267502, 25331909). For these reasons, this variant has been classified as Pathogenic.

ARUP Laboratories, Molecular Genetics and Genomics, ARUP Laboratories
Classification: Pathogenic. Last evaluated: 2025-01-03. Review status: criteria provided, single submitter. Criteria: ARUP Molecular Germline Variant Investigation Process 2024. Collection method: clinical testing. Allele origin: germline.
Comment: The CBS c.430G>A; p.Glu144Lys variant (rs121964966, ClinVar Variation ID: 122) is reported in the literature in compound heterozygous individuals affected with homocystinuria with variable pyridoxine response (Gaustadnes 2002, Gordon 1998, Kaur 2020, Shih 1995). In addition, this variant has been found in cis with p.Ala155Thr or p.Arg439Gln in affected individuals with another variant in trans (Gaustadnes 2002, Janosik 2001, Linnebank 2004, Magner 2011). The p.Glu144Lys variant is only observed on nine alleles in the Genome Aggregation Database (v2.1.1), indicating it is not a common polymorphism. Computational analyses predict that this variant is deleterious (REVEL: 0.844). Consistent with computational predictions, functional analyses using yeast or bacterial models demonstrated <1% activity (Kozich 2010, Mayfield 2012). Based on available information, this variant is considered to be pathogenic. References: Gaustadnes M et al. The molecular basis of cystathionine beta-synthase deficiency in Australian patients: genotype-phenotype correlations and response to treatment. Hum Mutat. 2002 Aug;20(2):117-26. PMID: 12124992. Gordon RB et al. Mutational analysis of the cystathionine beta-synthase gene: a splicing mutation, two missense mutations and an insertion in patients with homocystinuria. Mutations in brief no. 120. Online. Hum Mutat. 1998;11(4):332. PMID: 10215408. Janosik M et al. Impaired heme binding and aggregation of mutant cystathionine beta-synthase subunits in homocystinuria. Am J Hum Genet. 2001 Jun;68(6):1506-13. PMID: 11359213. Kaur R et al. Seven novel genetic variants in a North Indian cohort with classical homocystinuria. Sci Rep. 2020 Oct 14;10(1):17299. PMID: 33057012. Kozich V et al. Cystathionine beta-synthase mutations: effect of mutation topology on folding and activity. Hum Mutat. 2010 Jul;31(7):809-19. PMID: 20506325. Linnebank M et al. The cystathionine beta-synthase (CBS) mutation c.1224-2A>C in Central Europe: Vitamin B6 nonresponsiveness and a common ancestral haplotype. Hum Mutat. 2004 Oct;24(4):352-3. PMID: 15365998. Magner M et al. Vascular presentation of cystathionine beta-synthase deficiency in adulthood. J Inherit Metab Dis. 2011 Feb;34(1):33-7. PMID: 20567906. Mayfield JA et al. Surrogate genetics and metabolic profiling for characterization of human disease alleles. Genetics. 2012 Apr;190(4):1309-23. PMID: 22267502. Shih VE et al. A missense mutation (I278T) in the cystathionine beta-synthase gene prevalent in pyridoxine-responsive homocystinuria and associated with mild clinical phenotype. Am J Hum Genet. 1995 Jul;57(1):34-9. PMID: 7611293.

Blueprint Genetics
Classification: Pathogenic for CBS-related disorders. Last evaluated: 2024-09-13. Review status: criteria provided, single submitter. Criteria: ACMG Guidelines, 2015. Collection method: clinical testing. Allele origin: germline. Affected: yes. Observed: 5 variant alleles.

Natera, Inc.
Classification: Pathogenic for Homocystinuria due to cystathionine beta-synthase deficiency. Last evaluated: 2024-05-06. Review status: criteria provided, single submitter. Criteria: Natera Variant Classification Schema (03/2026). Collection method: clinical testing. Allele origin: germline.
Comment: The c.430G>A variant in CBS is a missense variant predicted to cause substitution of glutamic acid to lysine at amino acid 144. This variant is rare in the general population with a frequency below the threshold expected for the associated phenotype(s). This variant has been observed in one or more individuals affected with the associated recessive disease, as either homozygous or compound heterozygous with a second variant (PMID: 7611293, 10215408, 12124992). Given the available evidence, this variant is classified as Pathogenic.

Baylor Genetics
Classification: Pathogenic for Classic homocystinuria. Last evaluated: 2024-03-15. Review status: criteria provided, single submitter. Criteria: ACMG Guidelines, 2015. Collection method: clinical testing. Allele origin: unknown.

GeneDx
Classification: Pathogenic. Last evaluated: 2023-07-26. Review status: criteria provided, single submitter. Criteria: GeneDx Variant Classification Process June 2021. Collection method: clinical testing. Allele origin: germline. Affected: yes.
Comment: Published functional studies demonstrate a damaging effect through decreased enzyme levels (Kozich et al., 2010); In silico analysis supports that this missense variant has a deleterious effect on protein structure/function; This variant is associated with the following publications: (PMID: 15365998, 14722927, 22267502, 9156316, 31301157, 7611293, 11748855, 11359213, 25331909, 12124992, 20567906, 10215408, 20506325, 33057012)

Women's Health and Genetics/Laboratory Corporation of America, LabCorp
Classification: Pathogenic for Homocystinuria. Last evaluated: 2023-04-28. Review status: criteria provided, single submitter. Criteria: LabCorp Variant Classification Summary - May 2015. Collection method: clinical testing. Allele origin: germline.
Comment: Variant summary: CBS c.430G>A (p.Glu144Lys) results in a conservative amino acid change located in the pyridoxal-phosphate dependent enzyme (IPR001926) of the encoded protein sequence. Four of five in-silico tools predict a damaging effect of the variant on protein function. The variant allele was found at a frequency of 2.8e-05 in 250114 control chromosomes (gnomAD). c.430G>A has been reported in the literature as a compound heterozygous genotype in trans with other pathogenic alleles in multiple individuals affected with Homocystinuria (e.g. Shih_1995, Gordon_1998, Janosik_2001, Guastadnes_2002,Kozich_2010). These data indicate that the variant is very likely to be associated with disease. In some of these cases, the variant has been reported to co-occur in cis with another variant which has conflicting interpretations of pathogenicity (i.e. c.463G>A, p.A155T in Janosik_2001). Multiple publications report contrasting experimental evidence evaluating an impact on protein function. The variant was found to result in significantly reduced enzyme activity in yeast and bacterial cell lines (e.g. Gordon_1998, Kozich_2010, Mayfield_2012) but had no significant damaging effect in experiments in a mammalian cell line (Melenovska_2014). The following publications have been ascertained in the context of this evaluation (PMID: 12124992, 10215408, 11359213, 20506325, 22267502, 25331909, 7611293). Six submitters have provided clinical-significance assessments for this variant to ClinVar after 2014 and all classified the variant as pathogenic (n=5)/likely pathogenic (n=1). Based on the evidence outlined above, the variant was classified as pathogenic.

NM_000071.3(CBS):c.430G>A (p.Glu144Lys)

Gene: CBS (cystathionine beta-synthase; minus strand). Cytogenetic location: 21q22.3.
Variant type: single nucleotide variant.
Coding change: c.430G>A on transcript NM_000071.3 (MANE Select); coding-DNA position 430, G replaced by A.
Protein change: p.Glu144Lys; replaces glutamic acid 144 with lysine.
Molecular consequence: missense variant.
Genome position (GRCh38, 1-based): chr21:43,066,264, C>T on the plus strand (G>A on the coding strand, the complement: CBS is on the minus strand). VCF-style: chr21-43066264-C-T. GRCh37 (hg19) VCF-style: chr21-44486374-C-T.
Other names: c.430G>A, p.Glu144Lys (NM_001178008.3, NM_001178009.3, NM_001320298.2); c.115G>A, p.Glu39Lys (NM_001321072.1); short protein forms E144K, E39K.
Identifiers: ClinVar variation 122 (VCV000000122.68), dbSNP rs121964966, ClinGen allele CA113885.
Genomic context (GRCh38, chr21:43,066,264, plus strand): 5'-CAGCCAGCCCTGGCCACCCCCTCTGGGCCTGGCACCCACCGGTGTTCCCGGATGTCGGCT[C>T]GATAATCGTGTCCCCGGGCTTCAGCGTCCCGTCGCGCTCAGCATCCTCAATCATCCGCAG-3'
Protein context (NP_000062.1, residues 134-154): GTLKPGDTII[Glu144Lys]PTSGNTGIGL